The following is an entry in ClinVar:

NM_005251.3(FOXC2):c.988dup (p.Gln330fs)

Gene: FOXC2 (forkhead box C2; plus strand). Cytogenetic location: 16q24.1.
Variant type: Duplication.
Coding change: c.988dup on transcript NM_005251.3 (MANE Select); coding-DNA position 988, one base duplicated (C; older notation c.988dupC).
Protein change: p.Gln330fs; shifts the reading frame from glutamine 330.
Molecular consequence: frameshift variant.
Genome position (GRCh38, 1-based): chr16:86,568,323, C duplicated; the last of 2 consecutive C bases (chr16:86,568,322-86,568,323); duplicating either gives the same sequence. VCF-style (leftmost placement, unchanged base first): chr16-86568321-A-AC. GRCh37 (hg19) VCF-style: chr16-86601927-A-AC.
Other names: short protein forms Q330fs.
Identifiers: ClinVar variation 280261 (VCV000280261.2), dbSNP rs886041497, ClinGen allele CA10603279.

ClinVar aggregate classification (germline): Pathogenic (1 of 4 stars; one submission).

Submission:

GeneDx
Classification: Pathogenic. Last evaluated: 2018-01-29. Review status: criteria provided, single submitter. Criteria: GeneDx Variant Classification (06012015). Collection method: clinical testing. Allele origin: germline. Affected: yes.
Comment: The c.988dupC pathogenic variant in the FOXC2 gene has not been reported previously as a pathogenic variant nor as a benign variant, to our knowledge. The c.988dupC variant causes a frameshift starting with codon Glutamine 330, changes this amino acid to a Proline residue, and creates a premature Stop codon at position 133 of the new reading frame, denoted p.Gln330ProfsX133. This variant is predicted to cause loss of normal protein function through protein truncation. The c.988dupC variant was not observed in approximately 4000 individuals of European and African American ancestry in the NHLBI Exome Sequencing Project, indicating it is not a common benign variant in these populations. We interpret c.988dupC as a pathogenic variant.